The following is an entry in ClinVar:

ClinVar aggregate classification (germline): Conflicting classifications of pathogenicity. Review status: criteria provided, conflicting classifications (1 of 4 stars). 6 submissions from 6 submitters: Pathogenic (1); Likely pathogenic (3); Uncertain significance (2). Last evaluated 2025-10-01.

Conditions:
NF1-related disorder. Also called: NF1-related condition. Identifiers: MedGen CN379171.
Neurofibromatosis, type 1 (NF1). Also called: Neurofibromatosis, type I; VON RECKLINGHAUSEN DISEASE; NEUROFIBROMATOSIS, TYPE I, SOMATIC; Peripheral type neurofibromatosis. Identifiers: Orphanet 636, MedGen C0027831, MONDO:0018975, OMIM 162200. Disease mechanism: loss of function.

Submissions (6):

CeGaT Center for Human Genetics Tuebingen
Classification: Likely pathogenic. Last evaluated: 2025-10-01. Review status: criteria provided, single submitter. Criteria: CeGaT Center For Human Genetics Tuebingen Variant Classification Criteria Version 2. Collection method: clinical testing. Allele origin: germline. Affected: yes. Observed: 1 variant allele.
Comment: NF1: PS2, PM2, PM4:Supporting, PS4:Supporting

Labcorp Genetics (formerly Invitae), Labcorp
Classification: Pathogenic for Neurofibromatosis, type 1. Last evaluated: 2025-05-05. Review status: criteria provided, single submitter. Criteria: Invitae Variant Classification Sherloc (09022015). Collection method: clinical testing. Allele origin: germline.
Comment: This variant, c.5565_5567del, results in the deletion of 1 amino acid(s) of the NF1 protein (p.Leu1856del), but otherwise preserves the integrity of the reading frame. This variant is not present in population databases (gnomAD no frequency). This variant has been observed in individual(s) with neurofibromatosis type 1 (PMID: 26056819; internal data). In at least one individual the variant was observed to be de novo. Invitae Evidence Modeling of clinical and family history, age, sex, and reported ancestry of multiple individuals with this NF1 variant has been performed. This variant is expected to be pathogenic with a positive predictive value of at least 99%. This is a validated machine learning model that incorporates the clinical features of 1,785,918 individuals referred to our laboratory for NF1 testing. ClinVar contains an entry for this variant (Variation ID: 561546). Experimental studies and prediction algorithms are not available or were not evaluated, and the functional significance of this variant is currently unknown. For these reasons, this variant has been classified as Pathogenic.

Blueprint Genetics
Classification: Likely pathogenic for NF1-related disorders. Last evaluated: 2024-04-25. Review status: criteria provided, single submitter. Criteria: ACMG Guidelines, 2015. Collection method: clinical testing. Allele origin: germline. Affected: yes. Observed: 1 variant allele.

GeneDx
Classification: Likely pathogenic. Last evaluated: 2024-03-29. Review status: criteria provided, single submitter. Criteria: GeneDx Variant Classification Process June 2021. Collection method: clinical testing. Allele origin: germline. Affected: yes.
Comment: Identified in patients with neurofibromatosis type 1 in published literature (PMID: 26056819, 27716896); In-frame deletion of 1 amino acid in a non-repeat region; Not observed at significant frequency in large population cohorts (gnomAD); In silico analysis supports a deleterious effect on protein structure/function; This variant is associated with the following publications: (PMID: 26056819, 27716896)

Revvity Omics, Revvity
Classification: Uncertain significance. Last evaluated: 2022-09-13. Review status: criteria provided, single submitter. Criteria: ACMG Guidelines, 2015. Collection method: clinical testing. Allele origin: germline.

Genome-Nilou Lab
Classification: Uncertain significance for Neurofibromatosis, type 1. Last evaluated: 2022-03-15. Review status: criteria provided, single submitter. Criteria: ACMG Guidelines, 2015. Collection method: clinical testing. Allele origin: germline. Affected: no.

Literature cited by the submitters: PubMed 26056819 (cited by Labcorp Genetics (formerly Invitae), Labcorp).

NM_001042492.3(NF1):c.5625TCT[1] (p.Leu1877del)

Gene: NF1 (neurofibromin 1; plus strand). Cytogenetic location: 17q11.2.
Variant type: Microsatellite.
Coding change: c.5625TCT[1] on transcript NM_001042492.3 (MANE Select); one copy of the 3-base unit TCT starting at c.5625; the reference has two copies in a row; one copy, 3 bases deleted.
Protein change: p.Leu1877del; deletes leucine 1877.
Molecular consequence: inframe deletion. On other transcripts: inframe indel (1).
Genome position (GRCh38, 1-based): chr17:31,330,314-31,330,316, TCT deleted; deleting any 3 consecutive bases within chr17:31,330,311-31,330,316 gives the same sequence; the position shown is the placement nearest the transcript's 3' end. VCF-style (leftmost placement, unchanged base first): chr17-31330310-ATCT-A. GRCh37 (hg19) VCF-style: chr17-29657328-ATCT-A.
Other names: c.5565_5567delTCT (NM_000267.3); c.5565_5567del (NM_000267.3); c.5562_5564TCT[1], p.Leu1856del (NM_000267.4); short protein forms L1856del, L1877del.
Identifiers: ClinVar variation 561546 (VCV000561546.47), dbSNP rs1131691081, ClinGen allele CA645596488.